The following is an entry in ClinVar:

ClinVar aggregate classification (germline): Uncertain significance (1 of 4 stars; one submission).

Allele frequency attached by ClinVar (database versions not stated): TOPMed 0.00002; gnomAD 0.00003; ExAC 0.00004; 1000 Genomes Project 0.00020; 1000 Genomes Project 30x 0.00031; gnomAD exomes 0.00003.
gnomAD v4.1: 48 of 1,614,186 alleles (0.003%); highest among the groups gnomAD compares: Non-Finnish European, 0.004%; no homozygotes.

Submission:

Labcorp Genetics (formerly Invitae), Labcorp
Classification: Uncertain significance. Last evaluated: 2025-10-14. Review status: criteria provided, single submitter. Criteria: Invitae Variant Classification Sherloc (09022015). Collection method: clinical testing. Allele origin: germline.
Comment: This sequence change replaces cysteine, which is neutral and slightly polar, with arginine, which is basic and polar, at codon 1588 of the FBN3 protein (p.Cys1588Arg). This variant is present in population databases (rs534450144, gnomAD 0.006%). This variant has not been reported in the literature in individuals affected with FBN3-related conditions. ClinVar contains an entry for this variant (Variation ID: 1958669). Invitae Evidence Modeling of protein sequence and biophysical properties (such as structural, functional, and spatial information, amino acid conservation, physicochemical variation, residue mobility, and thermodynamic stability) indicates that this missense variant is expected to disrupt FBN3 protein function with a positive predictive value of 80%. In summary, the available evidence is currently insufficient to determine the role of this variant in disease. Therefore, it has been classified as a Variant of Uncertain Significance.

NM_032447.5(FBN3):c.4762T>C (p.Cys1588Arg)

Gene: FBN3 (fibrillin 3; minus strand). Cytogenetic location: 19p13.2.
Variant type: single nucleotide variant.
Coding change: c.4762T>C on transcript NM_032447.5 (MANE Select); coding-DNA position 4762, T replaced by C.
Protein change: p.Cys1588Arg; replaces cysteine 1588 with arginine.
Molecular consequence: missense variant.
Genome position (GRCh38, 1-based): chr19:8,106,159, A>G on the plus strand (T>C on the coding strand, the complement: FBN3 is on the minus strand). VCF-style: chr19-8106159-A-G. GRCh37 (hg19) VCF-style: chr19-8171043-A-G.
Other names: c.4762T>C, p.Cys1588Arg (NM_001321431.2); short protein forms C1588R.
Identifiers: ClinVar variation 1958669 (VCV001958669.5), dbSNP rs534450144, ClinGen allele CA9151927.